The following is an entry in ClinVar:

ClinVar aggregate classification (germline): Uncertain significance. Review status: criteria provided, multiple submitters, no conflicts (2 of 4 stars). 2 submissions from 2 submitters: Uncertain significance (2). Last evaluated 2025-09-02.

Conditions:
Hereditary spastic paraplegia 50 (SPG50). Also called: Spastic paraplegia 50, autosomal recessive. Identifiers: Orphanet 280763, MedGen C2752008, MONDO:0013048, OMIM 612936.
Inborn genetic diseases. Identifiers: MedGen C0950123, MeSH D030342.

Allele frequency attached by ClinVar (database versions not stated): gnomAD exomes 0.00001; ExAC 0.00006; gnomAD 0.00009; TOPMed 0.00018; ESP Exome Variant Server 0.00031.
gnomAD v4.1: 32 of 1,614,064 alleles (0.002%); highest among the groups gnomAD compares: African/African-American, 0.039%; no homozygotes.

Submissions (2):

Labcorp Genetics (formerly Invitae), Labcorp
Classification: Uncertain significance for Hereditary spastic paraplegia 50. Last evaluated: 2025-09-02. Review status: criteria provided, single submitter. Criteria: Invitae Variant Classification Sherloc (09022015). Collection method: clinical testing. Allele origin: germline.
Comment: This sequence change replaces valine, which is neutral and non-polar, with methionine, which is neutral and non-polar, at codon 208 of the AP4M1 protein (p.Val208Met). This variant is present in population databases (rs144050062, gnomAD 0.06%). This variant has not been reported in the literature in individuals affected with AP4M1-related conditions. ClinVar contains an entry for this variant (Variation ID: 2151433). An algorithm developed to predict the effect of missense changes on protein structure and function outputs the following: PolyPhen-2: "Probably Damaging". The methionine amino acid residue is found in multiple mammalian species, which suggests that this missense change does not adversely affect protein function. In summary, the available evidence is currently insufficient to determine the role of this variant in disease. Therefore, it has been classified as a Variant of Uncertain Significance.

Ambry Genetics
Classification: Uncertain significance for Inborn genetic diseases. Last evaluated: 2023-10-05. Review status: criteria provided, single submitter. Criteria: Ambry Variant Classification Scheme 2023. Collection method: clinical testing. Allele origin: germline.

NM_004722.4(AP4M1):c.622G>A (p.Val208Met)

Gene: AP4M1 (adaptor related protein complex 4 subunit mu 1; plus strand). Cytogenetic location: 7q22.1.
Variant type: single nucleotide variant.
Coding change: c.622G>A on transcript NM_004722.4 (MANE Select); coding-DNA position 622, G replaced by A.
Protein change: p.Val208Met; replaces valine 208 with methionine.
Molecular consequence: missense variant.
Genome position (GRCh38, 1-based): chr7:100,104,889, G>A. VCF-style: chr7-100104889-G-A. GRCh37 (hg19) VCF-style: chr7-99702512-G-A.
Other names: c.643G>A, p.Val215Met (NM_001363671.2); c.622G>A (NM_004722.3); short protein forms V208M, V215M.
Identifiers: ClinVar variation 2151433 (VCV002151433.3), dbSNP rs144050062, ClinGen allele CA4374711.